The following is an entry in ClinVar:

ClinVar aggregate classification (germline): Uncertain significance (1 of 4 stars; one submission).

Submission:

GeneDx
Classification: Uncertain significance. Last evaluated: 2019-08-08. Review status: criteria provided, single submitter. Criteria: GeneDx Variant Classification Process June 2021. Collection method: clinical testing. Allele origin: germline. Affected: yes.
Comment: Not observed in large population cohorts (Lek et al., 2016); In silico analysis, which includes protein predictors and evolutionary conservation, supports that this variant does not alter protein structure/function; Has not been previously published as pathogenic or benign to our knowledge

NM_013444.4(UBQLN2):c.1496G>A (p.Gly499Asp)

Gene: UBQLN2 (ubiquilin 2; plus strand). Cytogenetic location: Xp11.21.
Variant type: single nucleotide variant.
Coding change: c.1496G>A on transcript NM_013444.4 (MANE Select); coding-DNA position 1496, G replaced by A.
Protein change: p.Gly499Asp; replaces glycine 499 with aspartic acid.
Molecular consequence: missense variant.
Genome position (GRCh38, 1-based): chrX:56,565,369, G>A. VCF-style: chrX-56565369-G-A. GRCh37 (hg19) VCF-style: chrX-56591802-G-A.
Other names: short protein forms G499D.
Identifiers: ClinVar variation 1307256 (VCV001307256.2), dbSNP rs2146636546, ClinGen allele CA413380685.